The following is an entry in ClinVar:

ClinVar aggregate classification (germline): Likely benign (0 of 4 stars; one submission).

Conditions:
MRAP2-related disorder. Also called: MRAP2-related condition.

gnomAD v4.1: 2 of 1,614,118 alleles (0.00012%); highest among the groups gnomAD compares: Admixed American, 0.0033%; no homozygotes.

Submission:

PreventionGenetics, part of Exact Sciences
Classification: Likely benign for MRAP2-related condition. Last evaluated: 2023-09-21. Review status: no assertion criteria provided. Collection method: clinical testing. Allele origin: germline.
Comment: This variant is classified as likely benign based on ACMG/AMP sequence variant interpretation guidelines (Richards et al. 2015 PMID: 25741868, with internal and published modifications).

NM_138409.4(MRAP2):c.128-7C>G

Gene: MRAP2 (melanocortin 2 receptor accessory protein 2; plus strand). Cytogenetic location: 6q14.2.
Variant type: single nucleotide variant.
Coding change: c.128-7C>G on transcript NM_138409.4 (MANE Select); 7 bases into the intron before coding-DNA position 128, C replaced by G.
Molecular consequence: intron variant.
Genome position (GRCh38, 1-based): chr6:84,062,886, C>G. VCF-style: chr6-84062886-C-G. GRCh37 (hg19) VCF-style: chr6-84772605-C-G.
Other names: c.128-7C>G (NM_001346542.2, NM_001346544.2); c.-132-7C>G (NM_001346543.2); c.-32+7441C>G (NM_001346541.2).
Identifiers: ClinVar variation 3356250 (VCV003356250.1).